The following is an entry in ClinVar:

NM_021969.3(NR0B2):c.352C>G (p.Leu118Val)

Genes: NR0B2 (nuclear receptor subfamily 0 group B member 2; minus strand), NUDC (nuclear distribution C, dynein complex regulator; plus strand). Cytogenetic location: 1p36.11.
Variant type: single nucleotide variant.
Coding change: c.352C>G on transcript NM_021969.3 (MANE Select); coding-DNA position 352, C replaced by G.
Protein change: p.Leu118Val; replaces leucine 118 with valine.
Molecular consequence: missense variant.
Genome position (GRCh38, 1-based): chr1:26,913,589, G>C on the plus strand (C>G on the coding strand, the complement: NR0B2 is on the minus strand). VCF-style: chr1-26913589-G-C. GRCh37 (hg19) VCF-style: chr1-27240080-G-C.
Other names: short protein forms L118V.
Identifiers: ClinVar variation 2636614 (VCV002636614.5), dbSNP rs144579036, ClinGen allele CA709666.

ClinVar aggregate classification (germline): Uncertain significance. Review status: criteria provided, multiple submitters, no conflicts (2 of 4 stars). 3 submissions from 3 submitters: Uncertain significance (2). 1 of the submissions does not count toward it. Last evaluated 2025-05-19.

Conditions:
NR0B2-related disorder. Also called: NR0B2-related condition.

Allele frequency attached by ClinVar (database versions not stated): TOPMed 0.00017; gnomAD exomes 0.00001; ExAC 0.00006; ESP Exome Variant Server 0.00015; gnomAD 0.00016.
gnomAD v4.1: 38 of 1,614,006 alleles (0.0024%); highest among the groups gnomAD compares: African/African-American, 0.039%; no homozygotes.

Submissions (3):

Labcorp Genetics (formerly Invitae), Labcorp
Classification: Uncertain significance. Last evaluated: 2025-05-19. Review status: criteria provided, single submitter. Criteria: Invitae Variant Classification Sherloc (09022015). Collection method: clinical testing. Allele origin: germline.
Comment: This sequence change replaces leucine, which is neutral and non-polar, with valine, which is neutral and non-polar, at codon 118 of the NR0B2 protein (p.Leu118Val). This variant is present in population databases (rs144579036, gnomAD 0.05%). This variant has not been reported in the literature in individuals affected with NR0B2-related conditions. ClinVar contains an entry for this variant (Variation ID: 2636614). An algorithm developed to predict the effect of missense changes on protein structure and function (PolyPhen-2) suggests that this variant is likely to be disruptive. In summary, the available evidence is currently insufficient to determine the role of this variant in disease. Therefore, it has been classified as a Variant of Uncertain Significance.

Ambry Genetics
Classification: Uncertain significance. Last evaluated: 2025-01-29. Review status: criteria provided, single submitter. Criteria: Ambry Variant Classification Scheme 2023. Collection method: clinical testing. Allele origin: germline.

PreventionGenetics, part of Exact Sciences
Classification: Uncertain significance for NR0B2-related condition. Last evaluated: 2023-11-30. Review status: no assertion criteria provided. Collection method: clinical testing. Allele origin: germline. Not counted in ClinVar's aggregate classification.
Comment: The NR0B2 c.352C>G variant is predicted to result in the amino acid substitution p.Leu118Val. To our knowledge, this variant has not been reported in the literature. This variant is reported in 0.053% of alleles in individuals of African descent in gnomAD, which may be too common to be an unreported cause of disease. Although we suspect that this variant may be benign, at this time, the clinical significance of this variant is uncertain due to the absence of conclusive functional and genetic evidence.